The following is an entry in ClinVar:

ClinVar aggregate classification (germline): Conflicting classifications of pathogenicity. Review status: criteria provided, conflicting classifications (1 of 4 stars). 10 submissions from 10 submitters: Uncertain significance (1); Benign (4); Likely benign (3). 2 of the submissions do not count toward it. Last evaluated 2026-01-26.

Conditions:
TTN-related disorder. Also called: TTN-related disorders; TTN-related condition; TTN-related disease.
Cardiovascular phenotype. Identifiers: MedGen CN230736.
Dilated cardiomyopathy 1G (CMD1G). Identifiers: Orphanet 154, MedGen C1858763, MONDO:0011400, OMIM 604145.
Autosomal recessive limb-girdle muscular dystrophy type 2J (LGMDR10). Also called: Limb-girdle muscular dystrophy, type 2J; MUSCULAR DYSTROPHY, LIMB-GIRDLE, AUTOSOMAL RECESSIVE 10. Identifiers: Orphanet 140922, MedGen C1837342, MONDO:0012127, OMIM 608807.
Cardiomyopathy (CMYO). Also called: Cardiomyopathies. Identifiers: Orphanet 167848, MedGen C0878544, MONDO:0004994, HP:0001638. Inheritance: Various modes of inheritance.

Allele frequency attached by ClinVar (database versions not stated): gnomAD 0.00001 and 0.00029; TOPMed 0.00004; gnomAD exomes 0.00040 and 0.00088; ExAC 0.00095; 1000 Genomes Project 30x 0.00156; 1000 Genomes Project 0.00180.
gnomAD v4.1: 648 of 1,613,684 alleles (0.04%); highest among the groups gnomAD compares: South Asian, 0.65%; 1 homozygote.

Submissions (10):

Labcorp Genetics (formerly Invitae), Labcorp
Classification: Benign for Dilated cardiomyopathy 1G; Autosomal recessive limb-girdle muscular dystrophy type 2J. Last evaluated: 2026-01-26. Review status: criteria provided, single submitter. Criteria: Invitae Variant Classification Sherloc (09022015). Collection method: clinical testing. Allele origin: germline.

CeGaT Center for Human Genetics Tuebingen
Classification: Likely benign. Last evaluated: 2026-01-01. Review status: criteria provided, single submitter. Criteria: CeGaT Center For Human Genetics Tuebingen Variant Classification Criteria Version 2. Collection method: clinical testing. Allele origin: germline. Affected: yes. Observed: 2 variant alleles.
Comment: TTN: BP4

Blueprint Genetics
Classification: Likely benign. Last evaluated: 2024-07-11. Review status: criteria provided, single submitter. Criteria: ACMG Guidelines, 2015. Collection method: clinical testing. Allele origin: germline.

CHEO Genetics Diagnostic Laboratory, Children's Hospital of Eastern Ontario
Classification: Benign for Cardiomyopathy. Last evaluated: 2022-03-16. Review status: criteria provided, single submitter. Criteria: ACMG Guidelines, 2015. Collection method: clinical testing. Allele origin: germline. Study: Canadian Open Genetics Repository.

Athena Diagnostics
Classification: Benign. Last evaluated: 2017-02-03. Review status: criteria provided, single submitter. Criteria: Athena Diagnostics Criteria. Collection method: clinical testing. Allele origin: germline.

Ambry Genetics
Classification: Likely benign for Cardiovascular phenotype. Last evaluated: 2015-09-16. Review status: criteria provided, single submitter. Criteria: Ambry Variant Classification Scheme 2023. Collection method: clinical testing. Allele origin: germline.

Eurofins Ntd Llc (ga)
Classification: Benign. Last evaluated: 2015-09-01. Review status: criteria provided, single submitter. Criteria: EGL Classification Definitions 2015. Collection method: clinical testing. Allele origin: germline. Observed: 1 variant allele, 1 heterozygote.

Laboratory for Molecular Medicine, Mass General Brigham Personalized Medicine
Classification: Uncertain significance. Last evaluated: 2013-06-07. Review status: criteria provided, single submitter. Criteria: LMM Criteria. Collection method: clinical testing. Allele origin: germline. Observed: 1 variant allele.
Comment: The Ala27980Val in TTN has not been reported in individuals with cardiomyopathy or in large population studies. Computational analyses (biochemical amino acid p roperties, conservation, AlignGVGD, PolyPhen2, and SIFT) do not provide strong s upport for or against an impact to the protein. Additional information is needed to fully assess the clinical significance of this variant.

PreventionGenetics, part of Exact Sciences
Classification: Likely benign for TTN-related condition. Last evaluated: 2019-06-28. Review status: no assertion criteria provided. Collection method: clinical testing. Allele origin: germline. Not counted in ClinVar's aggregate classification.
Comment: This variant is classified as likely benign based on ACMG/AMP sequence variant interpretation guidelines (Richards et al. 2015 PMID: 25741868, with internal and published modifications).

GeneDx
No classification provided. Last evaluated: 2014-03-20. Review status: no classification provided. Criteria: GeneDx Variant Classification (06012015). Collection method: clinical testing. Allele origin: germline. Affected: yes. Not counted in ClinVar's aggregate classification.
Comment: Missense variants in the TTN gene are considered 'unclassified' if they are not previously reported in the literature and do not have >1% frequency in the population to be considered a polymorphism. Research indicates that truncating mutations in the TTN gene are expected to account for approximately 25% of familial and 18% of sporadic idiopathic DCM; however, truncating variants in the TTN gene have been reported in approximately 3% of reported control alleles. There has been little investigation into non-truncating variants. (Herman D et al. Truncations of titin causing dilated cardiomyopathy. N Eng J Med 366:619-628, 2012) The variant is found in CARDIOMYOPATHY panel(s).

NM_001267550.2(TTN):c.91643C>T (p.Ala30548Val)

Genes: TTN (titin; minus strand), TTN-AS1 (TTN antisense RNA 1; plus strand). Cytogenetic location: 2q31.2.
Variant type: single nucleotide variant.
Coding change: c.91643C>T on transcript NM_001267550.2 (MANE Select); coding-DNA position 91643, C replaced by T.
Protein change: p.Ala30548Val; replaces alanine 30548 with valine.
Molecular consequence: missense variant.
Genome position (GRCh38, 1-based): chr2:178,550,195, G>A on the plus strand (C>T on the coding strand, the complement: TTN is on the minus strand). VCF-style: chr2-178550195-G-A. GRCh37 (hg19) VCF-style: chr2-179414922-G-A.
Other names: p.A28907V:GCT>GTT; c.86720C>T, p.Ala28907Val (NM_001256850.1); c.64448C>T, p.Ala21483Val (NM_003319.4); c.83939C>T, p.Ala27980Val (NM_133378.4); c.64823C>T, p.Ala21608Val (NM_133432.3); c.65024C>T, p.Ala21675Val (NM_133437.4); short protein forms A27980V, A30548V, A28907V, A21483V, A21608V, A21675V.
Identifiers: ClinVar variation 179010 (VCV000179010.70), dbSNP rs553668520, ClinGen allele CA183496.